The following is an entry in ClinVar:

ClinVar aggregate classification (germline): Uncertain significance (1 of 4 stars; one submission).

Conditions:
Complex cortical dysplasia with other brain malformations 2. Identifiers: MedGen C3809013, MONDO:0014116, OMIM 615282.

gnomAD v4.1: 1 of 1,613,440 alleles (0.000062%); highest among the groups gnomAD compares: Non-Finnish European, 0.000085%; no homozygotes.

Submission:

Juno Genomics, Hangzhou Juno Genomics, Inc
Classification: Uncertain significance for Complex cortical dysplasia with other brain malformations 2. Review status: criteria provided, single submitter. Criteria: ACMG Guidelines, 2015. Collection method: clinical testing. Allele origin: germline.
Comment: Absent from controls (or at extremely low frequency if recessive) in Genome Aggregation Database.;Missense variant in a gene that has a low rate of benign missense variation.

NM_004522.3(KIF5C):c.658A>G (p.Thr220Ala)

Gene: KIF5C (kinesin family member 5C; plus strand). Cytogenetic location: 2q23.1.
Variant type: single nucleotide variant.
Coding change: c.658A>G on transcript NM_004522.3 (MANE Select); coding-DNA position 658, A replaced by G.
Protein change: p.Thr220Ala; replaces threonine 220 with alanine.
Molecular consequence: missense variant.
Genome position (GRCh38, 1-based): chr2:148,946,967, A>G. VCF-style: chr2-148946967-A-G. GRCh37 (hg19) VCF-style: chr2-149803481-A-G.
Other names: short protein forms T220A.
Identifiers: ClinVar variation 5019643 (VCV005019643.2).
Genomic context (GRCh38, chr2:148,946,967, plus strand): 5'-GAACACAGCTCTAGAAGTCACAGTATCTTCCTGATAAATATTAAACAAGAGAATGTAGAG[A>G]CTGAAAAAAAACTCAGTGGGAAACTTTATTTGGTTGATTTGGCTGGGAGCGAAAAGGTAA-3'
Protein context (NP_004513.1, residues 210-230): LINIKQENVE[Thr220Ala]EKKLSGKLYL